The following is an entry in ClinVar:

ClinVar aggregate classification (germline): Likely pathogenic (1 of 4 stars; one submission).

Submission:

GeneDx
Classification: Likely pathogenic. Last evaluated: 2023-10-05. Review status: criteria provided, single submitter. Criteria: GeneDx Variant Classification Process June 2021. Collection method: clinical testing. Allele origin: germline. Affected: yes.
Comment: Canonical splice site variant in a gene or region of a gene for which loss of function is not a well-established mechanism of disease; Not observed at significant frequency in large population cohorts (gnomAD); Has not been previously published as pathogenic or benign to our knowledge

NM_005188.4(CBL):c.1228-2A>C

Gene: CBL (Cbl proto-oncogene; plus strand). Cytogenetic location: 11q23.3.
Variant type: single nucleotide variant.
Coding change: c.1228-2A>C on transcript NM_005188.4 (MANE Select); the canonical splice acceptor site of the intron before coding-DNA position 1228, A replaced by C.
Molecular consequence: splice acceptor variant.
Genome position (GRCh38, 1-based): chr11:119,278,508, A>C. VCF-style: chr11-119278508-A-C. GRCh37 (hg19) VCF-style: chr11-119149218-A-C.
Identifiers: ClinVar variation 3252722 (VCV003252722.1), dbSNP rs727504426.